The following is an entry in ClinVar:

ClinVar aggregate classification (germline): Uncertain significance (1 of 4 stars; one submission).

gnomAD v4.1: 267 of 1,614,118 alleles (0.017%); highest among the groups gnomAD compares: Middle Eastern, 0.049%; 1 homozygote.

Submission:

Labcorp Genetics (formerly Invitae), Labcorp
Classification: Uncertain significance. Last evaluated: 2026-01-24. Review status: criteria provided, single submitter. Criteria: Invitae Variant Classification Sherloc (09022015). Collection method: clinical testing. Allele origin: germline.
Comment: This sequence change replaces threonine, which is neutral and polar, with methionine, which is neutral and non-polar, at codon 96 of the TBX19 protein (p.Thr96Met). This variant is present in population databases (rs138884950, gnomAD 0.02%). This variant has not been reported in the literature in individuals affected with TBX19-related conditions. An algorithm developed to predict the effect of missense changes on protein structure and function (PolyPhen-2) suggests that this variant is likely to be disruptive. In summary, the available evidence is currently insufficient to determine the role of this variant in disease. Therefore, it has been classified as a Variant of Uncertain Significance.

NM_005149.3(TBX19):c.287C>T (p.Thr96Met)

Gene: TBX19 (T-box transcription factor 19; plus strand). Cytogenetic location: 1q24.2.
Variant type: single nucleotide variant.
Coding change: c.287C>T on transcript NM_005149.3 (MANE Select); coding-DNA position 287, C replaced by T.
Protein change: p.Thr96Met; replaces threonine 96 with methionine.
Molecular consequence: missense variant.
Genome position (GRCh38, 1-based): chr1:168,291,243, C>T. VCF-style: chr1-168291243-C-T. GRCh37 (hg19) VCF-style: chr1-168260481-C-T.
Other names: short protein forms T96M.
Identifiers: ClinVar variation 4752089 (VCV004752089.1).